The following is an entry in ClinVar:

NM_004260.4(RECQL4):c.2605G>A (p.Gly869Ser)

Gene: RECQL4 (RecQ like helicase 4; minus strand). Cytogenetic location: 8q24.3.
Variant type: single nucleotide variant.
Coding change: c.2605G>A on transcript NM_004260.4 (MANE Select); coding-DNA position 2605, G replaced by A.
Protein change: p.Gly869Ser; replaces glycine 869 with serine.
Molecular consequence: missense variant.
Genome position (GRCh38, 1-based): chr8:144,512,997, C>T on the plus strand (G>A on the coding strand, the complement: RECQL4 is on the minus strand). VCF-style: chr8-144512997-C-T. GRCh37 (hg19) VCF-style: chr8-145738380-C-T.
Other names: short protein forms G869S.
Identifiers: ClinVar variation 571584 (VCV000571584.8), dbSNP rs750282072, ClinGen allele CA4948170.

ClinVar aggregate classification (germline): Uncertain significance (1 of 4 stars; one submission).

Conditions:
Baller-Gerold syndrome (BGS). Also called: CRANIOSYNOSTOSIS WITH RADIAL DEFECTS. Identifiers: Orphanet 1225, MedGen C0265308, MONDO:0009039, OMIM 218600.

Allele frequency attached by ClinVar (database versions not stated): ExAC 0.00003; gnomAD exomes 0.00003.
gnomAD v4.1: 16 of 1,570,414 alleles (0.001%); highest among the groups gnomAD compares: South Asian, 0.0012%; no homozygotes.

Submission:

Labcorp Genetics (formerly Invitae), Labcorp
Classification: Uncertain significance for Baller-Gerold syndrome. Last evaluated: 2024-11-19. Review status: criteria provided, single submitter. Criteria: Invitae Variant Classification Sherloc (09022015). Collection method: clinical testing. Allele origin: germline.
Comment: This sequence change replaces glycine, which is neutral and non-polar, with serine, which is neutral and polar, at codon 869 of the RECQL4 protein (p.Gly869Ser). This variant is present in population databases (rs750282072, gnomAD 0.05%). This variant has not been reported in the literature in individuals affected with RECQL4-related conditions. ClinVar contains an entry for this variant (Variation ID: 571584). An algorithm developed to predict the effect of missense changes on protein structure and function outputs the following: PolyPhen-2: "Not Available". The serine amino acid residue is found in multiple mammalian species, which suggests that this missense change does not adversely affect protein function. Algorithms developed to predict the effect of sequence changes on RNA splicing suggest that this variant may create or strengthen a splice site. In summary, the available evidence is currently insufficient to determine the role of this variant in disease. Therefore, it has been classified as a Variant of Uncertain Significance.